The following is an entry in ClinVar:

NM_001040436.3(YARS2):c.871T>C (p.Trp291Arg)

Gene: YARS2 (tyrosyl-tRNA synthetase 2; minus strand). Cytogenetic location: 12p11.21.
Variant type: single nucleotide variant.
Coding change: c.871T>C on transcript NM_001040436.3 (MANE Select); coding-DNA position 871, T replaced by C.
Protein change: p.Trp291Arg; replaces tryptophan 291 with arginine.
Molecular consequence: missense variant.
Genome position (GRCh38, 1-based): chr12:32,753,994, A>G on the plus strand (T>C on the coding strand, the complement: YARS2 is on the minus strand). VCF-style: chr12-32753994-A-G. GRCh37 (hg19) VCF-style: chr12-32906928-A-G.
Other names: c.871T>C (NM_001040436.2); short protein forms W291R.
Identifiers: ClinVar variation 2074774 (VCV002074774.2), dbSNP rs758708383, ClinGen allele CA6508077.
Genomic context (GRCh38, chr12:32,753,994, plus strand): 5'-CCGGTTGCCTGACAAAGAATTGATACAATTCAAATGGAGATGTCTTATCTCTGTTTAGCC[A>G]AACAGCGTTGCCAGCAGACTTTCCCAGCTTTGCTCCAGTTGTACTTGTAATTAGAGGAAC-3'
Protein context (NP_001035526.1, residues 281-301): KLGKSAGNAV[Trp291Arg]LNRDKTSPFE

ClinVar aggregate classification (germline): Uncertain significance. Review status: criteria provided, multiple submitters, no conflicts (2 of 4 stars). 2 submissions from 2 submitters: Uncertain significance (2). Last evaluated 2024-06-10.

Conditions:
Inborn genetic diseases. Identifiers: MedGen C0950123, MeSH D030342.

Allele frequency attached by ClinVar (database versions not stated): ExAC 0.00002; TOPMed 0.00006; gnomAD 0.00008; gnomAD exomes 0.00013.

Submissions (2):

Ambry Genetics
Classification: Uncertain significance for Inborn genetic diseases. Last evaluated: 2024-06-10. Review status: criteria provided, single submitter. Criteria: Ambry Variant Classification Scheme 2023. Collection method: clinical testing. Allele origin: germline.

Labcorp Genetics (formerly Invitae), Labcorp
Classification: Uncertain significance. Last evaluated: 2022-05-27. Review status: criteria provided, single submitter. Criteria: Invitae Variant Classification Sherloc (09022015). Collection method: clinical testing. Allele origin: germline.
Comment: This sequence change replaces tryptophan, which is neutral and slightly polar, with arginine, which is basic and polar, at codon 291 of the YARS2 protein (p.Trp291Arg). This variant is present in population databases (rs758708383, gnomAD 0.01%). This variant has not been reported in the literature in individuals affected with YARS2-related conditions. Advanced modeling of protein sequence and biophysical properties (such as structural, functional, and spatial information, amino acid conservation, physicochemical variation, residue mobility, and thermodynamic stability) performed at Invitae indicates that this missense variant is expected to disrupt YARS2 protein function. In summary, the available evidence is currently insufficient to determine the role of this variant in disease. Therefore, it has been classified as a Variant of Uncertain Significance.